The following is an entry in ClinVar:

ClinVar aggregate classification (germline): Likely benign. Review status: criteria provided, multiple submitters, no conflicts (2 of 4 stars). 2 submissions from 2 submitters: Likely benign (2). Last evaluated 2026-09-01.

Conditions:
Autosomal recessive limb-girdle muscular dystrophy type 2W (MDRCMTT). Also called: Muscular dystrophy, limb-girdle, type 2W; Muscular dystrophy, autosomal recessive, with cardiomyopathy and triangular tongue. Identifiers: MedGen C4225192, MONDO:0014788, OMIM 616827.

Allele frequency attached by ClinVar (database versions not stated): gnomAD 0.00004 and 0.00005; TOPMed 0.00006; gnomAD exomes 0.00007; ESP Exome Variant Server 0.00008; ExAC 0.00010.

Submissions (2):

CeGaT Center for Human Genetics Tuebingen
Classification: Likely benign. Last evaluated: 2026-09-01. Review status: criteria provided, single submitter. Criteria: CeGaT Center For Human Genetics Tuebingen Variant Classification Criteria Version 2. Collection method: clinical testing. Allele origin: germline. Affected: yes. Observed: 1 variant allele.
Comment: LIMS2: BP4, BP7

Labcorp Genetics (formerly Invitae), Labcorp
Classification: Likely benign for Autosomal recessive limb-girdle muscular dystrophy type 2W. Last evaluated: 2024-10-10. Review status: criteria provided, single submitter. Criteria: Invitae Variant Classification Sherloc (09022015). Collection method: clinical testing. Allele origin: germline.

NM_001161403.3(LIMS2):c.198C>T (p.His66=)

Gene: LIMS2 (LIM zinc finger domain containing 2; minus strand). Cytogenetic location: 2q14.3.
Variant type: single nucleotide variant.
Coding change: c.198C>T on transcript NM_001161403.3 (MANE Select); coding-DNA position 198, C replaced by T.
Protein change: p.His66=; no amino-acid change (histidine 66 retained).
Molecular consequence: synonymous variant.
Genome position (GRCh38, 1-based): chr2:127,654,870, G>A on the plus strand (C>T on the coding strand, the complement: LIMS2 is on the minus strand). VCF-style: chr2-127654870-G-A. GRCh37 (hg19) VCF-style: chr2-128412444-G-A.
Other names: c.264C>T, p.His88= (NM_001136037.4); c.183C>T, p.His61= (NM_001161404.2); c.270C>T, p.His90= (NM_017980.5).
Identifiers: ClinVar variation 1606496 (VCV001606496.9), dbSNP rs371757451, ClinGen allele CA1863515.